The following is an entry in ClinVar:

NM_138694.4(PKHD1):c.5263G>A (p.Val1755Met)

Gene: PKHD1 (PKHD1 ciliary IPT domain containing fibrocystin/polyductin; minus strand). Cytogenetic location: 6p12.2.
Variant type: single nucleotide variant.
Coding change: c.5263G>A on transcript NM_138694.4 (MANE Select); coding-DNA position 5263, G replaced by A.
Protein change: p.Val1755Met; replaces valine 1755 with methionine.
Molecular consequence: missense variant.
Genome position (GRCh38, 1-based): chr6:52,022,918, C>T on the plus strand (G>A on the coding strand, the complement: PKHD1 is on the minus strand). VCF-style: chr6-52022918-C-T. GRCh37 (hg19) VCF-style: chr6-51887716-C-T.
Other names: c.5263G>A, p.Val1755Met (NM_170724.3); short protein forms V1755M.
Identifiers: ClinVar variation 1047850 (VCV001047850.14), dbSNP rs1201402132, ClinGen allele CA364427836.
Genomic context (GRCh38, chr6:52,022,918, plus strand): 5'-GGCAGGGAGCACCACACACAGCAGCTGAGACATTCCCTGGAGAAAATCCCGCTCCAAACA[C>T]ATGCACCAGCCTTCCACCCAGGCAGCCTTTAAAGACAAAGGTACAAGTTCTTGATCATAC-3'
Protein context (NP_619639.3, residues 1745-1765): FGCLGGRLVH[Val1755Met]FGAGFSPGNV

ClinVar aggregate classification (germline): Uncertain significance. Review status: criteria provided, single submitter (1 of 4 stars). 2 submissions from 2 submitters: Uncertain significance (1). 1 of the submissions does not count toward it. Last evaluated 2022-11-01.

Conditions:
Autosomal recessive polycystic kidney disease (ARPKD). Also called: AR polycystic kidney disease. Identifiers: Orphanet 731, Orphanet 8378, MedGen C0085548, MeSH D017044, MONDO:0009889.

Allele frequency attached by ClinVar (database versions not stated): gnomAD exomes below 0.00001.
gnomAD v4.1: 1 of 1,614,188 alleles (0.000062%); highest among the groups gnomAD compares: African/African-American, 0.0013%; no homozygotes.

Submissions (2):

Labcorp Genetics (formerly Invitae), Labcorp
Classification: Uncertain significance for Autosomal recessive polycystic kidney disease. Last evaluated: 2022-11-01. Review status: criteria provided, single submitter. Criteria: Invitae Variant Classification Sherloc (09022015). Collection method: clinical testing. Allele origin: germline.
Comment: This sequence change replaces valine, which is neutral and non-polar, with methionine, which is neutral and non-polar, at codon 1755 of the PKHD1 protein (p.Val1755Met). In summary, the available evidence is currently insufficient to determine the role of this variant in disease. Therefore, it has been classified as a Variant of Uncertain Significance. Advanced modeling of protein sequence and biophysical properties (such as structural, functional, and spatial information, amino acid conservation, physicochemical variation, residue mobility, and thermodynamic stability) has been performed at Invitae for this missense variant, however the output from this modeling did not meet the statistical confidence thresholds required to predict the impact of this variant on PKHD1 protein function. ClinVar contains an entry for this variant (Variation ID: 1047850). This variant has not been reported in the literature in individuals affected with PKHD1-related conditions. This variant is present in population databases (no rsID available, gnomAD 0.007%).

Natera, Inc.
Classification: Uncertain significance for Autosomal recessive polycystic kidney disease. Last evaluated: 2021-05-19. Review status: no assertion criteria provided. Collection method: clinical testing. Allele origin: germline. Not counted in ClinVar's aggregate classification.